The following is an entry in ClinVar:

ClinVar aggregate classification (germline): Uncertain significance (1 of 4 stars; one submission).

gnomAD v4.1: 4 of 1,613,946 alleles (0.00025%); highest among the groups gnomAD compares: Admixed American, 0.0067%; no homozygotes.

Submission:

Women's Health and Genetics/Laboratory Corporation of America, LabCorp
Classification: Uncertain significance. Last evaluated: 2025-09-24. Review status: criteria provided, single submitter. Criteria: LabCorp Variant Classification Summary - May 2015. Collection method: clinical testing. Allele origin: germline.
Comment: Variant summary: WASF1 c.1381A>G (p.Thr461Ala) results in a non-conservative amino acid change in the encoded protein sequence. Algorithms developed to predict the effect of missense changes on protein structure and function are either unavailable or do not agree on the potential impact of this missense change. The variant allele was found at a frequency of 1.6e-05 in 251326 control chromosomes. The available data on variant occurrences in the general population are insufficient to allow any conclusion about variant significance. To our knowledge, no occurrence of c.1381A>G in individuals affected with WASF1-related conditions and no experimental evidence demonstrating its impact on protein function have been reported. No submitters have cited clinical-significance assessments for this variant to ClinVar. Based on the evidence outlined above, the variant was classified as uncertain significance.

NM_003931.3(WASF1):c.1381A>G (p.Thr461Ala)

Gene: WASF1 (WASP family member 1; minus strand). Cytogenetic location: 6q21.
Variant type: single nucleotide variant.
Coding change: c.1381A>G on transcript NM_003931.3 (MANE Select); coding-DNA position 1381, A replaced by G.
Protein change: p.Thr461Ala; replaces threonine 461 with alanine.
Molecular consequence: missense variant.
Genome position (GRCh38, 1-based): chr6:110,101,729, T>C on the plus strand (A>G on the coding strand, the complement: WASF1 is on the minus strand). VCF-style: chr6-110101729-T-C. GRCh37 (hg19) VCF-style: chr6-110422932-T-C.
Other names: c.1381A>G, p.Thr461Ala (NM_001024934.2, NM_001024935.2, NM_001024936.2); short protein forms T461A.
Identifiers: ClinVar variation 4536010 (VCV004536010.1).